The following is an entry in ClinVar:

NM_001083962.2(TCF4):c.1879+75T>C

Gene: TCF4 (transcription factor 4; minus strand). Cytogenetic location: 18q21.2.
Variant type: single nucleotide variant.
Coding change: c.1879+75T>C on transcript NM_001083962.2 (MANE Select); 75 bases into the intron after coding-DNA position 1879, T replaced by C.
Molecular consequence: intron variant.
Genome position (GRCh38, 1-based): chr18:55,228,772, A>G on the plus strand (T>C on the coding strand, the complement: TCF4 is on the minus strand). VCF-style: chr18-55228772-A-G. GRCh37 (hg19) VCF-style: chr18-52896003-A-G.
Other names: c.2185+75T>C (NM_001243226.3); c.1792+75T>C (NM_001369584.1, NM_001369585.1, NM_001348220.1); c.1804+75T>C (NM_001369576.1, NM_001369577.1, NM_001369578.1 and 3 more transcripts); c.1795+75T>C (NM_001369582.1, NM_001369583.1, NM_001348219.2 and 1 more transcripts); c.1807+75T>C (NM_001243227.2, NM_001369575.1, NM_001348218.2 and 1 more transcripts); c.1810+75T>C (NM_001369586.1); c.1867+75T>C (NM_001369571.1, NM_001369572.1, NM_003199.3); c.1879+75T>C (NM_001369567.1, NM_001369568.1); and 14 more.
Identifiers: ClinVar variation 670815 (VCV000670815.2), dbSNP rs8087570, ClinGen allele CA14562066.

ClinVar aggregate classification (germline): Benign. Review status: criteria provided, multiple submitters, no conflicts (2 of 4 stars). 2 submissions from 2 submitters: Benign (2). Last evaluated 2018-06-19.

Allele frequency attached by ClinVar (database versions not stated): 1000 Genomes Project 0.09085; 1000 Genomes Project 30x 0.09322; gnomAD exomes 0.10635; gnomAD 0.10685 and 0.10953; TOPMed 0.11302.
gnomAD v4.1: 157,037 of 1,473,140 alleles (11%); highest among the groups gnomAD compares: African/African-American, 13%; 9,234 homozygotes.

Submissions (2):

GeneDx
Classification: Benign. Last evaluated: 2018-06-19. Review status: criteria provided, single submitter. Criteria: GeneDx Variant Classification (06012015). Collection method: clinical testing. Allele origin: germline. Affected: yes.
Comment: This variant is considered likely benign or benign based on one or more of the following criteria: it is a conservative change, it occurs at a poorly conserved position in the protein, it is predicted to be benign by multiple in silico algorithms, and/or has population frequency not consistent with disease.

Breakthrough Genomics
Classification: Benign. Review status: criteria provided, single submitter. Criteria: ACMG Guidelines, 2015. Collection method: not provided. Allele origin: germline. Inheritance: Autosomal dominant inheritance. Affected: yes.